The following is an entry in ClinVar:

ClinVar aggregate classification (germline): Uncertain significance (1 of 4 stars; one submission).

gnomAD v4.1: 5 of 1,613,808 alleles (0.00031%); highest among the groups gnomAD compares: Non-Finnish European, 0.00042%; no homozygotes.

Submission:

GeneDx
Classification: Uncertain significance. Last evaluated: 2023-06-22. Review status: criteria provided, single submitter. Criteria: GeneDx Variant Classification Process June 2021. Collection method: clinical testing. Allele origin: germline. Affected: yes.
Comment: Not observed at significant frequency in large population cohorts (gnomAD); In silico analysis supports that this missense variant has a deleterious effect on protein structure/function; Has not been previously published as pathogenic or benign to our knowledge

NM_003922.4(HERC1):c.12982A>G (p.Thr4328Ala)

Gene: HERC1 (HECT and RLD domain containing E3 ubiquitin protein ligase family member 1; minus strand). Cytogenetic location: 15q22.31.
Variant type: single nucleotide variant.
Coding change: c.12982A>G on transcript NM_003922.4 (MANE Select); coding-DNA position 12982, A replaced by G.
Protein change: p.Thr4328Ala; replaces threonine 4328 with alanine.
Molecular consequence: missense variant.
Genome position (GRCh38, 1-based): chr15:63,628,800, T>C on the plus strand (A>G on the coding strand, the complement: HERC1 is on the minus strand). VCF-style: chr15-63628800-T-C. GRCh37 (hg19) VCF-style: chr15-63920999-T-C.
Other names: short protein forms T4328A.
Identifiers: ClinVar variation 3360299 (VCV003360299.1).